The following is an entry in ClinVar:

NM_002693.3(POLG):c.2857C>T (p.Arg953Cys)

Gene: POLG (DNA polymerase gamma, catalytic subunit; minus strand). Cytogenetic location: 15q26.1.
Variant type: single nucleotide variant.
Coding change: c.2857C>T on transcript NM_002693.3 (MANE Select); coding-DNA position 2857, C replaced by T.
Protein change: p.Arg953Cys; replaces arginine 953 with cysteine.
Molecular consequence: missense variant.
Genome position (GRCh38, 1-based): chr15:89,320,890, G>A on the plus strand (C>T on the coding strand, the complement: POLG is on the minus strand). VCF-style: chr15-89320890-G-A. GRCh37 (hg19) VCF-style: chr15-89864121-G-A.
Other names: c.2857C>T, p.Arg953Cys (NM_001126131.2); short protein forms R953C.
Identifiers: ClinVar variation 194838 (VCV000194838.45), dbSNP rs11546842, ClinGen allele CA241026.
Genomic context (GRCh38, chr15:89,320,890, plus strand): 5'-GCCGGTGGTTAAACTGCATTAGTAAGCGCTCAGCAAAGGGCTGCCCAGCACCATAGATGC[G>A]GCCGTAGTTGAAGATTTTGGCATGCTCACGGCTGATGCCCACAGTAGTGGCTGTCTTACT-3'
Protein context (NP_002684.1, residues 943-963): REHAKIFNYG[Arg953Cys]IYGAGQPFAE

ClinVar aggregate classification (germline): Conflicting classifications of pathogenicity. Review status: criteria provided, conflicting classifications (1 of 4 stars). 11 submissions from 11 submitters: Pathogenic (6); Likely pathogenic (3); Uncertain significance (1). 1 of the submissions does not count toward it. Last evaluated 2025-08-26.

Conditions:
Cholestasis. Identifiers: MedGen C0008370, MONDO:0001751, HP:0001396.
POLG-related disorder. Also called: POLG-related condition; POLG-Related Disorders; POLG-Related Spectrum Disorders. Identifiers: MedGen C4763519.
Progressive external ophthalmoplegia with mitochondrial DNA deletions, autosomal recessive 1 (PEOB1). Also called: Progressive external ophthalmoplegia, autosomal recessive 1; Autosomal Recessive Progressive External Ophthalmoplegia (arPEO). Identifiers: Orphanet 254886, MedGen C4225153, MONDO:0009783, OMIM 258450.
Progressive sclerosing poliodystrophy (MTDPS4A). Also called: Alpers-Huttenlocher Syndrome (AHS); Alpers Syndrome; Mitochondrial DNA depletion syndrome 4A (Alpers type); ALPERS DIFFUSE DEGENERATION OF CEREBRAL GRAY MATTER WITH HEPATIC CIRRHOSIS; Alpers-Huttenlocher Syndrome; ALPERS PROGRESSIVE INFANTILE POLIODYSTROPHY. Identifiers: Orphanet 726, MedGen C0205710, MONDO:0008758, OMIM 203700.

Allele frequency attached by ClinVar (database versions not stated): gnomAD exomes 0.00001 and 0.00002; ExAC 0.00002; gnomAD 0.00010 and 0.00011; TOPMed 0.00010.

Submissions (11):

GeneDx
Classification: Pathogenic. Last evaluated: 2025-08-26. Review status: criteria provided, single submitter. Criteria: GeneDx Variant Classification Process June 2021. Collection method: clinical testing. Allele origin: germline. Affected: yes.
Comment: Reported in an individual with adult onset PEO, ptosis, muscle weakness, hypothyreosis, ataxia, asthma and balance disturbance; however, information on the zygosity of the variant was not provided and parental studies were not performed (PMID: 15351195); In silico analysis supports that this missense variant has a deleterious effect on protein structure/function; This variant is associated with the following publications: (PMID: 25203713, 24122062, 38831166, 20185557, 22334187, 20701905, 28480171, 25724872, 21993618, 35114397, 31665838, 33434755, Crawford2022[casereport], 27381400, 22617125, 27748512, 22334185, 29992832, 18321754, 33513296, 37470284, Betler2024[abstract], 15351195, 36838782, Crawford2023[Article], 38294884, 21880868, 38434220, Betler2024[Review], 40653181, 38432868)

Institute Of Liver Studies, NHS South East Genomic Laboratory Hub
Classification: Pathogenic for Cholestasis. Last evaluated: 2025-08-13. Review status: criteria provided, single submitter. Criteria: ACGS Best Practice Guidelines for Variant Classification in Rare Disease 2024. Collection method: clinical testing. Allele origin: germline. Affected: yes.

Labcorp Genetics (formerly Invitae), Labcorp
Classification: Pathogenic for Progressive sclerosing poliodystrophy. Last evaluated: 2025-07-03. Review status: criteria provided, single submitter. Criteria: Invitae Variant Classification Sherloc (09022015). Collection method: clinical testing. Allele origin: germline.
Comment: This sequence change replaces arginine, which is basic and polar, with cysteine, which is neutral and slightly polar, at codon 953 of the POLG protein (p.Arg953Cys). This variant is present in population databases (rs11546842, gnomAD 0.03%). This missense change has been observed in individual(s) with autosomal recessive progressive external ophthalmoplegia (PMID: 21880868, 22334187, 33046616). In at least one individual the data is consistent with being in trans (on the opposite chromosome) from a pathogenic variant. ClinVar contains an entry for this variant (Variation ID: 194838). Invitae Evidence Modeling of protein sequence and biophysical properties (such as structural, functional, and spatial information, amino acid conservation, physicochemical variation, residue mobility, and thermodynamic stability) indicates that this missense variant is expected to disrupt POLG protein function with a positive predictive value of 95%. Experimental studies have shown that this missense change does not substantially affect POLG function (PMID: 20185557). This variant disrupts the p.Arg953 amino acid residue in POLG. Other variant(s) that disrupt this residue have been observed in individuals with POLG-related conditions (PMID: 31665838), which suggests that this may be a clinically significant amino acid residue. For these reasons, this variant has been classified as Pathogenic.

Baylor Genetics
Classification: Pathogenic for Progressive sclerosing poliodystrophy. Last evaluated: 2024-02-17. Review status: criteria provided, single submitter. Criteria: ACMG Guidelines, 2015. Collection method: clinical testing. Allele origin: unknown.

CeGaT Center for Human Genetics Tuebingen
Classification: Likely pathogenic. Last evaluated: 2024-01-01. Review status: criteria provided, single submitter. Criteria: CeGaT Center For Human Genetics Tuebingen Variant Classification Criteria Version 2. Collection method: clinical testing. Allele origin: germline. Affected: yes. Observed: 2 variant alleles.
Comment: POLG: PM2, PM3, PP1:Moderate, PP3

Women's Health and Genetics/Laboratory Corporation of America, LabCorp
Classification: Pathogenic for POLG-related disorder. Last evaluated: 2023-07-10. Review status: criteria provided, single submitter. Criteria: LabCorp Variant Classification Summary - May 2015. Collection method: clinical testing. Allele origin: germline.
Comment: Variant summary: POLG c.2857C>T (p.Arg953Cys) results in a non-conservative amino acid change located in the DNA-directed DNA polymerase, family A, palm domain (IPR001098) of the encoded protein sequence. This alters a highly conserved residue in which other missense variants have been found in association with disease (HGMD), suggesting this may be a functionally important region of the protein. Five of five in-silico tools predict a damaging effect of the variant on protein function. The variant allele was found at a frequency of 2.4e-05 in 251172 control chromosomes (gnomAD). c.2857C>T has been reported in the literature in multiple individuals affected with POLG-Related Spectrum Disorders (Gurgel-Giannetti_2012, Luoma_2016, Paul_2020, Tang_2012, Wahbi_2015), and some patients were reported as compound heterozygous with other likely pathogenic variants. These data indicate that the variant is very likely to be associated with disease. At least two publications report experimental evidence evaluating an impact on protein function. One found that the orthologous variant in yeast did not increase the number of colonies unable to perform aerobic respiration (Stumpf_2010), while another study found that the variant resulted in a sharply reduced efficiency of dCTP incorporation in vitro (Li_2016). The following publications have been ascertained in the context of this evaluation (PMID: 22334187, 15351195, 21993618, 26224072, 20185557, 33046616, 27381400). Six submitters have cited clinical-significance assessments for this variant to ClinVar after 2014, and classified it as pathogenic (n=1), likely pathogenic (n=4), or uncertain significance (n=1). Based on the evidence outlined above, the variant was classified as pathogenic.

Athena Diagnostics
Classification: Likely pathogenic. Last evaluated: 2021-08-18. Review status: criteria provided, single submitter. Criteria: Athena Diagnostics Criteria. Collection method: clinical testing. Allele origin: unknown.
Comment: The frequency of this variant in the general population is consistent with pathogenicity. This variant has been identified in at least one individual with clinical features associated with this gene. In multiple individuals, this variant has been seen with a single recessive pathogenic variant in the same gene, suggesting this variant may also be pathogenic. Computational tools predict that this variant is damaging.

CENTOGENE GmbH and LLC - Guiding Precision Medicine
Classification: Likely pathogenic for Progressive external ophthalmoplegia with mitochondrial DNA deletions, autosomal recessive 1. Last evaluated: 2021-05-04. Review status: criteria provided, single submitter. Criteria: ACMG Guidelines, 2015. Collection method: clinical testing. Allele origin: biparental. Affected: yes.

Wong Mito Lab, Molecular and Human Genetics, Baylor College of Medicine
Classification: Pathogenic for Progressive sclerosing poliodystrophy. Last evaluated: 2018-10-01. Review status: criteria provided, single submitter. Criteria: ACMG Guidelines, 2015. Collection method: clinical testing. Allele origin: germline.
Comment: The NM_002693.2:c.2857C>T (NP_002684.1:p.Arg953Cys) [GRCH38: NC_000015.10:g.89320890G>A] variant in POLG gene is interpretated to be a Pathogenic based on ACMG guidelines (PMID: 25741868). This variant meets the following evidence codes reported in the ACMG-guideline. PS1:This variation causes same amino-acid change as an established pathogenic variant. PS3:Well established functional studies show a deleterious effect on POLG. PM2:This variant is absent in key population databases. PM3:Detected in trans with a pathogenic variant for Mitochondrial DNA depletion syndrome 4A (Alpers type) which is a recessive disorder. PP1:This variant is co-segregated with Mitochondrial DNA depletion syndrome 4A (Alpers type) in multiple affected family members. PP4:Patient's phenotype or family history is highly specific for POLG. Based on the evidence criteria codes applied, the variant is suggested to be Pathogenic.

Eurofins Ntd Llc (ga)
Classification: Uncertain significance. Last evaluated: 2015-02-06. Review status: criteria provided, single submitter. Criteria: EGL Classification Definitions 2015. Collection method: clinical testing. Allele origin: germline. Observed: 1 variant allele, 1 heterozygote.

PreventionGenetics, part of Exact Sciences
Classification: Likely pathogenic for POLG-related condition. Last evaluated: 2024-03-28. Review status: no assertion criteria provided. Collection method: clinical testing. Allele origin: germline. Not counted in ClinVar's aggregate classification.
Comment: The POLG c.2857C>T variant is predicted to result in the amino acid substitution p.Arg953Cys. This variant was originally reported in an individual with progressive external ophthalmoplegia (PEO) as well as muscle weakness, ataxia, asthma, and hypothyroidism (Luoma et al. 2004. PubMed ID: 15351195). However, it has also been observed in the compound heterozygous state in an individual with mitochondrial neurogastrointestinal encephalomyopathy (Tang et al. 2011. PubMed ID: 21993618), as well as in the compound heterozygous state in three siblings with PEO with additional features (Gurgel-Giannetti et al. 2012. PubMed ID: 22334187). This variant is reported in 0.028% of alleles in individuals of African descent in gnomAD. An alternate nucleotide change affecting the same amino acid (p.Arg953His) have been reported in association with POLG-deficiency (Tchikviladzé et al. 2015. PubMed ID: 25118206). This variant is interpreted as likely pathogenic.

Literature cited by the submitters: PubMed 21880868 (cited by Labcorp Genetics (formerly Invitae), Labcorp and Athena Diagnostics); PubMed 22334187 (cited by 3 submitters); PubMed 33046616 (cited by Labcorp Genetics (formerly Invitae), Labcorp and Women's Health and Genetics/Laboratory Corporation of America, LabCorp); PubMed 20185557 (cited by Labcorp Genetics (formerly Invitae), Labcorp and Women's Health and Genetics/Laboratory Corporation of America, LabCorp); PubMed 31665838 (cited by Labcorp Genetics (formerly Invitae), Labcorp); PubMed 26224072 (cited by Women's Health and Genetics/Laboratory Corporation of America, LabCorp); PubMed 15351195 (cited by Women's Health and Genetics/Laboratory Corporation of America, LabCorp and Athena Diagnostics); PubMed 27381400 (cited by Women's Health and Genetics/Laboratory Corporation of America, LabCorp and Athena Diagnostics); PubMed 21993618 (cited by Women's Health and Genetics/Laboratory Corporation of America, LabCorp and Athena Diagnostics); PubMed 20701905 (cited by Athena Diagnostics); PubMed 25118206 (cited by Athena Diagnostics); PubMed 31762033 (cited by Athena Diagnostics).